The following is an entry in ClinVar:

ClinVar aggregate classification (germline): Conflicting classifications of pathogenicity. Review status: criteria provided, conflicting classifications (1 of 4 stars). 7 submissions from 7 submitters: Uncertain significance (1); Benign (2); Likely benign (2). 2 of the submissions do not count toward it. Last evaluated 2026-08-01.

Conditions:
Familial Mediterranean fever (FMF). Also called: POLYSEROSITIS, FAMILIAL PAROXYSMAL; POLYSEROSITIS, RECURRENT; Periodic peritonitis; Benign paroxysmal peritonitis. Identifiers: Orphanet 342, MedGen C0031069, MONDO:0018088, OMIM 249100. Disease mechanism: gain of function.
Familial Mediterranean fever, autosomal dominant. Also called: Dominant Familial Mediterranean Fever; FMF, AUTOSOMAL DOMINANT. Identifiers: Orphanet 342, MedGen C1851347, MONDO:0007601, OMIM 134610.

Allele frequency attached by ClinVar (database versions not stated): gnomAD 0.00517 and 0.00556; 1000 Genomes Project 0.00519; TOPMed 0.00530; ESP Exome Variant Server 0.00539; 1000 Genomes Project 30x 0.00593.
gnomAD v4.1: 2,062 of 1,600,176 alleles (0.13%); highest among the groups gnomAD compares: African/African-American, 1.5%; 8 homozygotes.

Submissions (7):

CeGaT Center for Human Genetics Tuebingen
Classification: Likely benign. Last evaluated: 2026-08-01. Review status: criteria provided, single submitter. Criteria: CeGaT Center For Human Genetics Tuebingen Variant Classification Criteria Version 2. Collection method: clinical testing. Allele origin: germline. Affected: yes. Observed: 4 variant alleles.
Comment: MEFV: BS1

ARUP Laboratories, Molecular Genetics and Genomics, ARUP Laboratories
Classification: Benign. Last evaluated: 2025-03-16. Review status: criteria provided, single submitter. Criteria: ARUP Molecular Germline Variant Investigation Process 2024. Collection method: clinical testing. Allele origin: germline.

Labcorp Genetics (formerly Invitae), Labcorp
Classification: Benign for Familial Mediterranean fever. Last evaluated: 2024-11-11. Review status: criteria provided, single submitter. Criteria: Invitae Variant Classification Sherloc (09022015). Collection method: clinical testing. Allele origin: germline.

GeneDx
Classification: Likely benign. Last evaluated: 2018-06-16. Review status: criteria provided, single submitter. Criteria: GeneDx Variant Classification (06012015). Collection method: clinical testing. Allele origin: germline. Affected: yes.
Comment: This variant is considered likely benign or benign based on one or more of the following criteria: it is a conservative change, it occurs at a poorly conserved position in the protein, it is predicted to be benign by multiple in silico algorithms, and/or has population frequency not consistent with disease.

Eurofins Ntd Llc (ga)
Classification: Uncertain significance. Last evaluated: 2017-02-24. Review status: criteria provided, single submitter. Criteria: EGL Classification Definitions 2015. Collection method: clinical testing. Allele origin: germline. Observed: 2 variant alleles, 2 heterozygotes.

Natera, Inc.
Classification: Benign for Autosomal dominant familial Mediterranean fever. Last evaluated: 2020-06-04. Review status: no assertion criteria provided. Collection method: clinical testing. Allele origin: germline. Not counted in ClinVar's aggregate classification.

Unité médicale des maladies autoinflammatoires, CHRU Montpellier
No classification provided. Condition: Familial Mediterranean fever. Review status: no classification provided. Collection method: not provided. Allele origin: unknown. Not counted in ClinVar's aggregate classification.

NM_000243.3(MEFV):c.1587+33C>G

Gene: MEFV (MEFV innate immunity regulator, pyrin; minus strand). Cytogenetic location: 16p13.3.
Variant type: single nucleotide variant.
Coding change: c.1587+33C>G on transcript NM_000243.3 (MANE Select); 33 bases into the intron after coding-DNA position 1587, C replaced by G.
Molecular consequence: intron variant.
Genome position (GRCh38, 1-based): chr16:3,246,983, G>C on the plus strand (C>G on the coding strand, the complement: MEFV is on the minus strand). VCF-style: chr16-3246983-G-C. GRCh37 (hg19) VCF-style: chr16-3296983-G-C.
Other names: c.954+33C>G (NM_001198536.2).
Identifiers: ClinVar variation 97892 (VCV000097892.45), dbSNP rs146820856, ClinGen allele CA280886.
Genomic context (GRCh38, chr16:3,246,983, plus strand): 5'-ACTTGTTCCAGCACGGCTGATGGCAGAGCTGGGAGCCTGAGGCATCCTGATAGGCACAGG[G>C]GACCCAAGAAAGCCGGGCCCAGGCACACCCACCTGCAGAAGTTCCCATTCTGACTGGCAC-3'